The following is an entry in ClinVar:

ClinVar aggregate classification (germline): Uncertain significance (1 of 4 stars; one submission).

Submission:

GeneDx
Classification: Uncertain significance. Last evaluated: 2023-11-03. Review status: criteria provided, single submitter. Criteria: GeneDx Variant Classification Process June 2021. Collection method: clinical testing. Allele origin: germline. Affected: yes.
Comment: Not observed at significant frequency in large population cohorts (gnomAD); In silico analysis supports that this missense variant does not alter protein structure/function; Has not been previously published as pathogenic or benign to our knowledge

NM_006940.6(SOX5):c.2150G>T (p.Gly717Val)

Gene: SOX5 (SRY-box transcription factor 5; minus strand). Cytogenetic location: 12p12.1.
Variant type: single nucleotide variant.
Coding change: c.2150G>T on transcript NM_006940.6 (MANE Select); coding-DNA position 2150, G replaced by T.
Protein change: p.Gly717Val; replaces glycine 717 with valine.
Molecular consequence: missense variant.
Genome position (GRCh38, 1-based): chr12:23,534,361, C>A on the plus strand (G>T on the coding strand, the complement: SOX5 is on the minus strand). VCF-style: chr12-23534361-C-A. GRCh37 (hg19) VCF-style: chr12-23687295-C-A.
Other names: c.1787G>T, p.Gly596Val (NM_001261414.3); c.2120G>T, p.Gly707Val (NM_001261415.3); c.2045G>T, p.Gly682Val (NM_001330785.2); c.2111G>T, p.Gly704Val (NM_152989.5); c.992G>T, p.Gly331Val (NM_178010.4); short protein forms G331V, G596V, G682V, G704V, G707V, G717V.
Identifiers: ClinVar variation 3363907 (VCV003363907.1).
Genomic context (GRCh38, chr12:23,534,361, plus strand): 5'-TCATAAATTTCTCCATTGATGTCCTCGGCCTGTATCTCTTCTTTGATATGTGGCTCCTCT[C>A]CTTTCACACCGTAAGTGCTCTGGATAACAGGCATCCCAGGCTCTGGGCTGCTAGACACGC-3'
Protein context (NP_008871.3, residues 707-727): PVIQSTYGVK[Gly717Val]EEPHIKEEIQ